The following is an entry in ClinVar:

NM_025114.4(CEP290):c.3920C>A (p.Ser1307Tyr)

Gene: CEP290 (centrosomal protein 290; minus strand). Cytogenetic location: 12q21.32.
Variant type: single nucleotide variant.
Coding change: c.3920C>A on transcript NM_025114.4 (MANE Select); coding-DNA position 3920, C replaced by A.
Protein change: p.Ser1307Tyr; replaces serine 1307 with tyrosine.
Molecular consequence: missense variant.
Genome position (GRCh38, 1-based): chr12:88,089,141, G>T on the plus strand (C>A on the coding strand, the complement: CEP290 is on the minus strand). VCF-style: chr12-88089141-G-T. GRCh37 (hg19) VCF-style: chr12-88482918-G-T.
Other names: short protein forms S1307Y.
Identifiers: ClinVar variation 3763530 (VCV003763530.1).

ClinVar aggregate classification (germline): Uncertain significance (1 of 4 stars; one submission).

Conditions:
Joubert syndrome. Also called: CEREBELLOPARENCHYMAL DISORDER IV; JOUBERT-BOLTSHAUSER SYNDROME; Familial aplasia of the vermis. Identifiers: Orphanet 475, MedGen C5979921, MONDO:0018772.
Nephronophthisis. Also called: Juvenile Nephronophthisis. Identifiers: Orphanet 655, MedGen C0687120, MONDO:0019005, HP:0000090.
Meckel-Gruber syndrome. Also called: DYSENCEPHALIA SPLANCHNOCYSTICA; GRUBER SYNDROME; Dysencephalia splachnocystica. Identifiers: Orphanet 564, MedGen C0265215, MONDO:0018921.

gnomAD v4.1: 2 of 1,601,490 alleles (0.00012%); highest among the groups gnomAD compares: Admixed American, 0.0035%; no homozygotes.

Submission:

Labcorp Genetics (formerly Invitae), Labcorp
Classification: Uncertain significance for Joubert syndrome; Meckel-Gruber syndrome; Nephronophthisis. Last evaluated: 2025-01-29. Review status: criteria provided, single submitter. Criteria: Invitae Variant Classification Sherloc (09022015). Collection method: clinical testing. Allele origin: germline.
Comment: This sequence change replaces serine, which is neutral and polar, with tyrosine, which is neutral and polar, at codon 1307 of the CEP290 protein (p.Ser1307Tyr). This variant is present in population databases (no rsID available, gnomAD 0.006%). This variant has not been reported in the literature in individuals affected with CEP290-related conditions. Invitae Evidence Modeling of protein sequence and biophysical properties (such as structural, functional, and spatial information, amino acid conservation, physicochemical variation, residue mobility, and thermodynamic stability) indicates that this missense variant is not expected to disrupt CEP290 protein function with a negative predictive value of 80%. In summary, the available evidence is currently insufficient to determine the role of this variant in disease. Therefore, it has been classified as a Variant of Uncertain Significance.